The following is an entry in ClinVar:

NM_006785.4(MALT1):c.2341C>T (p.Arg781Trp)

Gene: MALT1 (MALT1 paracaspase; plus strand). Cytogenetic location: 18q21.32.
Variant type: single nucleotide variant.
Coding change: c.2341C>T on transcript NM_006785.4 (MANE Select); coding-DNA position 2341, C replaced by T.
Protein change: p.Arg781Trp; replaces arginine 781 with tryptophan.
Molecular consequence: missense variant.
Genome position (GRCh38, 1-based): chr18:58,747,708, C>T. VCF-style: chr18-58747708-C-T. GRCh37 (hg19) VCF-style: chr18-56414940-C-T.
Other names: c.2308C>T, p.Arg770Trp (NM_173844.3); short protein forms R770W, R781W.
Identifiers: ClinVar variation 1008799 (VCV001008799.4), dbSNP rs1459153703, ClinGen allele CA402577211.

ClinVar aggregate classification (germline): Uncertain significance (1 of 4 stars; one submission).

Conditions:
Combined immunodeficiency due to MALT1 deficiency. Also called: Immunodeficiency 12. Identifiers: Orphanet 397964, MedGen C3809583, MONDO:0014197, OMIM 615468.

Allele frequency attached by ClinVar (database versions not stated): gnomAD 0.00001; TOPMed below 0.00001; gnomAD exomes 0.00001.
gnomAD v4.1: 16 of 1,613,978 alleles (0.00099%); highest among the groups gnomAD compares: Admixed American, 0.0033%; no homozygotes.

Submission:

Labcorp Genetics (formerly Invitae), Labcorp
Classification: Uncertain significance for Combined immunodeficiency due to MALT1 deficiency. Last evaluated: 2022-08-23. Review status: criteria provided, single submitter. Criteria: Invitae Variant Classification Sherloc (09022015). Collection method: clinical testing. Allele origin: germline.
Comment: This sequence change replaces arginine, which is basic and polar, with tryptophan, which is neutral and slightly polar, at codon 781 of the MALT1 protein (p.Arg781Trp). This variant is present in population databases (no rsID available, gnomAD 0.003%). This variant has not been reported in the literature in individuals affected with MALT1-related conditions. ClinVar contains an entry for this variant (Variation ID: 1008799). Algorithms developed to predict the effect of missense changes on protein structure and function are either unavailable or do not agree on the potential impact of this missense change (SIFT: "Tolerated"; PolyPhen-2: "Possibly Damaging"; Align-GVGD: "Class C0"). In summary, the available evidence is currently insufficient to determine the role of this variant in disease. Therefore, it has been classified as a Variant of Uncertain Significance.